The following is an entry in ClinVar:

ClinVar aggregate classification (germline): Conflicting classifications of pathogenicity. Review status: criteria provided, conflicting classifications (1 of 4 stars). 2 submissions from 1 submitter: Uncertain significance (1); Benign (1). Last evaluated 2018-01-12.

Conditions:
3-Methylglutaconic aciduria type 3 (MGCA3). Also called: OPA3, AUTOSOMAL RECESSIVE; OPA3-Related 3-Methylglutaconic Aciduria; Costeff Syndrome; OPTIC ATROPHY 3, AUTOSOMAL RECESSIVE. Identifiers: Orphanet 67047, MedGen C0574084, MONDO:0009787, OMIM 258501.
Optic atrophy 3 (OPA3). Also called: OPTIC ATROPHY 3, AUTOSOMAL DOMINANT; Optic atrophy, cataract, and neurologic disorder; Optic atrophy 3 with cataract. Identifiers: Orphanet 67036, MedGen C1833809, MONDO:0008133, OMIM 165300.

Allele frequency attached by ClinVar (database versions not stated): gnomAD exomes 0.00003; gnomAD 0.00006 and 0.00007; TOPMed 0.00011; 1000 Genomes Project 0.00040; 1000 Genomes Project 30x 0.00047.
gnomAD v4.1: 35 of 985,584 alleles (0.0036%); highest among the groups gnomAD compares: East Asian, 0.12%; 1 homozygote.

Submissions (2):

Illumina Laboratory Services, Illumina
Classification: Benign for Optic atrophy 3. Last evaluated: 2018-01-12. Review status: criteria provided, single submitter. Criteria: ICSL Variant Classification Criteria 13 December 2019. Collection method: clinical testing. Allele origin: germline.
Comment: This variant was observed in the ICSL laboratory as part of a predisposition screen in an ostensibly healthy population. It had not been previously curated by ICSL or reported in the Human Gene Mutation Database (HGMD: prior to June 1st, 2018), and was therefore a candidate for classification through an automated scoring system. Utilizing variant allele frequency, disease prevalence and penetrance estimates, and inheritance mode, an automated score was calculated to assess if this variant is too frequent to cause the disease. Based on the score and internal cut-off values, a variant classified as benign is not then subjected to further curation. The score for this variant resulted in a classification of benign for this disease.

Illumina Laboratory Services, Illumina
Classification: Uncertain significance for 3-Methylglutaconic aciduria type 3. Last evaluated: 2018-01-12. Review status: criteria provided, single submitter. Criteria: ICSL Variant Classification Criteria 13 December 2019. Collection method: clinical testing. Allele origin: germline.

NM_025136.4(OPA3):c.*5277G>A

Genes: OPA3 (outer mitochondrial membrane lipid metabolism regulator OPA3; minus strand), OPA3-RTN2 (OPA3-RTN2 readthrough; minus strand). Cytogenetic location: 19q13.32.
Variant type: single nucleotide variant.
Coding change: c.*5277G>A on transcript NM_025136.4 (MANE Select); 5277 bases downstream of the stop codon, G replaced by A.
Molecular consequence: 3 prime UTR variant. On other transcripts: intron variant (1).
Genome position (GRCh38, 1-based): chr19:45,548,237, C>T on the plus strand (G>A on the coding strand, the complement: OPA3 is on the minus strand). VCF-style: chr19-45548237-C-T. GRCh37 (hg19) VCF-style: chr19-46051495-C-T.
Other names: c.143-18781G>A (NM_001017989.3).
Identifiers: ClinVar variation 892853 (VCV000892853.4), dbSNP rs535986790, ClinGen allele CA308954633.